The following is an entry in ClinVar:

ClinVar aggregate classification (germline): Uncertain significance (1 of 4 stars; one submission).

Submission:

Labcorp Genetics (formerly Invitae), Labcorp
Classification: Uncertain significance. Last evaluated: 2024-11-25. Review status: criteria provided, single submitter. Criteria: Invitae Variant Classification Sherloc (09022015). Collection method: clinical testing. Allele origin: germline.
Comment: This sequence change replaces isoleucine, which is neutral and non-polar, with leucine, which is neutral and non-polar, at codon 639 of the ADCY10 protein (p.Ile639Leu). This variant is not present in population databases (gnomAD no frequency). This variant has not been reported in the literature in individuals affected with ADCY10-related conditions. An algorithm developed to predict the effect of missense changes on protein structure and function outputs the following: PolyPhen-2: "Benign". The leucine amino acid residue is found in multiple mammalian species, which suggests that this missense change does not adversely affect protein function. In summary, the available evidence is currently insufficient to determine the role of this variant in disease. Therefore, it has been classified as a Variant of Uncertain Significance.

NM_018417.6(ADCY10):c.1915A>C (p.Ile639Leu)

Gene: ADCY10 (adenylate cyclase 10; minus strand). Cytogenetic location: 1q24.2.
Variant type: single nucleotide variant.
Coding change: c.1915A>C on transcript NM_018417.6 (MANE Select); coding-DNA position 1915, A replaced by C.
Protein change: p.Ile639Leu; replaces isoleucine 639 with leucine.
Molecular consequence: missense variant.
Genome position (GRCh38, 1-based): chr1:167,856,421, T>G on the plus strand (A>C on the coding strand, the complement: ADCY10 is on the minus strand). VCF-style: chr1-167856421-T-G. GRCh37 (hg19) VCF-style: chr1-167825659-T-G.
Other names: c.1456A>C, p.Ile486Leu (NM_001167749.3); c.1639A>C, p.Ile547Leu (NM_001297772.2); short protein forms I639L, I486L, I547L.
Identifiers: ClinVar variation 3674574 (VCV003674574.2).
Genomic context (GRCh38, chr1:167,856,421, plus strand): 5'-TCTCCATAAATCTCCAGGAGGTCGAATCCACAAACTGGGCCTCATCAATGATAAAAATAA[T>G]CCTTTCCTCTTTCACTATCTGGACAAGATGCAGAAAGAGAAAGAGAAACACCATAGGACG-3'
Protein context (NP_060887.2, residues 629-649): ILKLIVKEER[Ile639Leu]IFIIDEAQFV